The following is an entry in ClinVar:

ClinVar aggregate classification (germline): Likely pathogenic (1 of 4 stars; one submission).

Conditions:
Male infertility. Identifiers: MedGen C0021364, MeSH D007248, MONDO:0005372, HP:0003251.

Submission:

Institute of Reproductive Genetics, University of Münster
Classification: Likely pathogenic for Male infertility. Last evaluated: 2026-01-16. Review status: criteria provided, single submitter. Criteria: Uk Practice Guidelines For Variant Classification V4 01 2020. Collection method: research. Allele origin: germline. Inheritance: Autosomal recessive inheritance. Affected: yes.
Comment: PS3_supporting (in vitro assays showing truncation p.(Met1_Glu35del) and reduced protein stability), PM2 (absent from GnomAD), PM3_supporting (homozygous occurrence in an affected individual), PM4 (inframe deletion N-terminal). HIPK4 is not yet associated with male infertility and teratozoospermia in humans but published mouse models display infertility and oligoasthenoteratozoospermia with predominant sperm head defects in mice (Crapster et al., 2020; PMID: 32163033; Liu et al., 2022; PMID: 35931115). A homozygous missense variant in HIPK4 classified as variant of uncertain significance has been identified in a patient with azoospermia (Alhathal et al., 2020; PMID: 32719396). This variant was published in a preprint (doi: DOI 10.64898/2026.03.04.26346694).

Literature cited by the submitters: DOI https.

NM_144685.5(HIPK4):c.1A>G (p.Met1Val)

Gene: HIPK4 (homeodomain interacting protein kinase 4; minus strand). Cytogenetic location: 19q13.2.
Variant type: single nucleotide variant.
Coding change: c.1A>G on transcript NM_144685.5 (MANE Select); coding-DNA position 1, A replaced by G.
Protein change: p.Met1Val; changes the start codon (methionine 1).
Molecular consequence: missense variant, initiator codon variant.
Genome position (GRCh38, 1-based): chr19:40,389,902, T>C on the plus strand (A>G on the coding strand, the complement: HIPK4 is on the minus strand). VCF-style: chr19-40389902-T-C. GRCh37 (hg19) VCF-style: chr19-40895809-T-C.
Other names: short protein forms M1V.
Identifiers: ClinVar variation 4813336 (VCV004813336.1).